The following is an entry in ClinVar:

NM_201384.3(PLEC):c.10879G>A (p.Glu3627Lys)

Gene: PLEC (plectin; minus strand). Cytogenetic location: 8q24.3.
Variant type: single nucleotide variant.
Coding change: c.10879G>A on transcript NM_201384.3 (MANE Select); coding-DNA position 10879, G replaced by A.
Protein change: p.Glu3627Lys; replaces glutamic acid 3627 with lysine.
Molecular consequence: missense variant.
Genome position (GRCh38, 1-based): chr8:143,918,942, C>T on the plus strand (G>A on the coding strand, the complement: PLEC is on the minus strand). VCF-style: chr8-143918942-C-T. GRCh37 (hg19) VCF-style: chr8-144993110-C-T.
Other names: c.10813G>A, p.Glu3605Lys (NM_201379.3); c.11290G>A, p.Glu3764Lys (NM_201380.4); c.10783G>A, p.Glu3595Lys (NM_201381.3); c.10879G>A, p.Glu3627Lys (NM_201382.4); c.10891G>A, p.Glu3631Lys (NM_201383.3); c.10960G>A, p.Glu3654Lys (NM_000445.5); c.7579G>A, p.Glu2527Lys (NM_001410941.1); c.10837G>A, p.Glu3613Lys (NM_201378.4); short protein forms E2527K, E3613K, E3654K, E3627K, E3764K, E3605K, E3631K, E3595K.
Identifiers: ClinVar variation 4794258 (VCV004794258.1).
Genomic context (GRCh38, chr8:143,918,942, plus strand): 5'-GGCGGCGGCGCACGTAGTCGTAGGAGGCCAGACCCTGCTGGCGGATGATCTCTGTCTTCT[C>T]AATGATCTCGATGATGATGATGATCATGCGTTCCTTGGTCACCCGGCCGGCCTGGAAGTC-3'
Protein context (NP_958786.1, residues 3617-3637): RMIIIIIEII[Glu3627Lys]KTEIIRQQGL

ClinVar aggregate classification (germline): Uncertain significance (1 of 4 stars; one submission).

Conditions:
Epidermolysis bullosa simplex 5B, with muscular dystrophy (EBS5B). Also called: EPIDERMOLYSIS BULLOSA SIMPLEX AND LIMB-GIRDLE MUSCULAR DYSTROPHY; Epidermolysis bullosa simplex with muscular dystrophy. Identifiers: Orphanet 257, MedGen C2931072, MONDO:0009181, OMIM 226670.
Epidermolysis bullosa simplex, Ogna type (EBS5A). Also called: Pidermolysis bullosa simplex 5A, Ogna type; EPIDERMOLYSIS BULLOSA SIMPLEX 5A, OGNA TYPE. Identifiers: Orphanet 79401, MedGen C0432317, MONDO:0007555, OMIM 131950.
Epidermolysis bullosa simplex 5C, with pyloric atresia (EBS5C). Also called: Epidermolysis bullosa simplex with pyloric atresia; PLEC-Related Epidermolysis Bullosa with Pyloric Atresia; PLEC1-Related Epidermolysis Bullosa with Pyloric Atresia. Identifiers: Orphanet 158684, MedGen C2677349, MONDO:0012807, OMIM 612138.
Autosomal recessive limb-girdle muscular dystrophy type 2Q (LGMDR17). Also called: MUSCULAR DYSTROPHY, LIMB-GIRDLE, AUTOSOMAL RECESSIVE 17. Identifiers: Orphanet 254361, MedGen C3150989, MONDO:0013390, OMIM 613723.
Epidermolysis bullosa simplex with nail dystrophy (EBS5D). Identifiers: MedGen C4225309, MONDO:0014661, OMIM 616487.

Submission:

Labcorp Genetics (formerly Invitae), Labcorp
Classification: Uncertain significance for Autosomal recessive limb-girdle muscular dystrophy type 2Q; Epidermolysis bullosa simplex, Ogna type; Epidermolysis bullosa simplex with nail dystrophy; Epidermolysis bullosa simplex 5C, with pyloric atresia; Epidermolysis bullosa simplex 5B, with muscular dystrophy. Last evaluated: 2025-06-17. Review status: criteria provided, single submitter. Criteria: Invitae Variant Classification Sherloc (09022015). Collection method: clinical testing. Allele origin: germline.
Comment: This sequence change replaces glutamic acid, which is acidic and polar, with lysine, which is basic and polar, at codon 3654 of the PLEC protein (p.Glu3654Lys). This variant is not present in population databases (gnomAD no frequency). This variant has not been reported in the literature in individuals affected with PLEC-related conditions. An algorithm developed to predict the effect of missense changes on protein structure and function (PolyPhen-2) suggests that this variant is likely to be disruptive. In summary, the available evidence is currently insufficient to determine the role of this variant in disease. Therefore, it has been classified as a Variant of Uncertain Significance.